The following is an entry in ClinVar:

NM_004260.4(RECQL4):c.1025T>C (p.Phe342Ser)

Gene: RECQL4 (RecQ like helicase 4; minus strand). Cytogenetic location: 8q24.3.
Variant type: single nucleotide variant.
Coding change: c.1025T>C on transcript NM_004260.4 (MANE Select); coding-DNA position 1025, T replaced by C.
Protein change: p.Phe342Ser; replaces phenylalanine 342 with serine.
Molecular consequence: missense variant. On other transcripts: 5 prime UTR variant (16), intron variant (3), non-coding transcript variant (3).
Genome position (GRCh38, 1-based): chr8:144,516,094, A>G on the plus strand (T>C on the coding strand, the complement: RECQL4 is on the minus strand). VCF-style: chr8-144516094-A-G. GRCh37 (hg19) VCF-style: chr8-145741478-A-G.
Other names: c.1025T>C, p.Phe342Ser (NM_001413018.1, NM_001413019.1, NM_001413033.1 and 2 more transcripts); c.-47T>C (NM_001413021.1, NM_001413022.1, NM_001413023.1 and 7 more transcripts); c.896T>C, p.Phe299Ser (NM_001413025.1); c.-109T>C (NM_001413027.1, NM_001413030.1, NM_001413031.1 and 2 more transcripts); c.674T>C, p.Phe225Ser (NM_001413029.1); c.954-25T>C (NM_001413020.1, NM_001413017.1); c.-22-25T>C (NM_001413034.1); c.-316T>C (NM_001413043.1); short protein forms F225S, F342S, F299S.
Identifiers: ClinVar variation 3705713 (VCV003705713.2).

ClinVar aggregate classification (germline): Uncertain significance (1 of 4 stars; one submission).

Conditions:
Baller-Gerold syndrome (BGS). Also called: CRANIOSYNOSTOSIS WITH RADIAL DEFECTS. Identifiers: Orphanet 1225, MedGen C0265308, MONDO:0009039, OMIM 218600.

Submission:

Labcorp Genetics (formerly Invitae), Labcorp
Classification: Uncertain significance for Baller-Gerold syndrome. Last evaluated: 2024-05-31. Review status: criteria provided, single submitter. Criteria: Invitae Variant Classification Sherloc (09022015). Collection method: clinical testing. Allele origin: germline.
Comment: This sequence change replaces phenylalanine, which is neutral and non-polar, with serine, which is neutral and polar, at codon 342 of the RECQL4 protein (p.Phe342Ser). This variant is present in population databases (rs761994072, gnomAD 0.006%). This variant has not been reported in the literature in individuals affected with RECQL4-related conditions. Advanced modeling of protein sequence and biophysical properties (such as structural, functional, and spatial information, amino acid conservation, physicochemical variation, residue mobility, and thermodynamic stability) performed at Invitae indicates that this missense variant is not expected to disrupt RECQL4 protein function with a negative predictive value of 80%. In summary, the available evidence is currently insufficient to determine the role of this variant in disease. Therefore, it has been classified as a Variant of Uncertain Significance.